The following is an entry in ClinVar:

ClinVar aggregate classification (germline): Pathogenic (0 of 4 stars; one submission).

Conditions:
Fanconi anemia complementation group A (FANCA). Also called: Fanconi anemia, group A; FANCA-Related Fanconi Anemia. Identifiers: Orphanet 84, MedGen C3469521, MONDO:0009215, OMIM 227650.

Submission:

Leiden Open Variation Database
Classification: Pathogenic for Fanconi anemia complementation group A. Last evaluated: 2020-02-28. Review status: no assertion criteria provided. Collection method: curation. Allele origin: germline. Affected: yes.
Comment: Curator: Arleen D. Auerbach. Submitter to LOVD: Arleen D. Auerbach.

Literature cited by the submitters: PubMed 10090479.

NC_000016.10:g.(89762023_89764889)_(89770635_89771677)del

Gene: FANCA (FA complementation group A; minus strand). Cytogenetic location: 16q24.3.
Variant type: Deletion.
Identifiers: ClinVar variation 974326 (VCV000974326.1).